The following is an entry in ClinVar:

ClinVar aggregate classification (germline): Uncertain significance (1 of 4 stars; one submission).

gnomAD v4.1: 2 of 1,613,348 alleles (0.00012%); highest among the groups gnomAD compares: Non-Finnish European, 0.00017%; no homozygotes.

Submission:

GeneDx
Classification: Uncertain significance. Last evaluated: 2024-02-15. Review status: criteria provided, single submitter. Criteria: GeneDx Variant Classification Process June 2021. Collection method: clinical testing. Allele origin: germline. Affected: yes.
Comment: Not observed at significant frequency in large population cohorts (gnomAD); In silico analysis supports that this missense variant has a deleterious effect on protein structure/function; Has not been previously published as pathogenic or benign to our knowledge

NM_022773.4(LMF1):c.833C>T (p.Pro278Leu)

Gene: LMF1 (lipase maturation factor 1; minus strand). Cytogenetic location: 16p13.3.
Variant type: single nucleotide variant.
Coding change: c.833C>T on transcript NM_022773.4 (MANE Select); coding-DNA position 833, C replaced by T.
Protein change: p.Pro278Leu; replaces proline 278 with leucine.
Molecular consequence: missense variant. On other transcripts: non-coding transcript variant (1).
Genome position (GRCh38, 1-based): chr16:879,634, G>A on the plus strand (C>T on the coding strand, the complement: LMF1 is on the minus strand). VCF-style: chr16-879634-G-A. GRCh37 (hg19) VCF-style: chr16-929634-G-A.
Other names: c.182C>T, p.Pro61Leu (NM_001352017.2, NM_001352021.2); c.434C>T, p.Pro145Leu (NM_001352018.2); c.506C>T, p.Pro169Leu (NM_001352019.2); c.833C>T, p.Pro278Leu (NM_001352020.1); short protein forms P145L, P169L, P278L, P61L.
Identifiers: ClinVar variation 3369171 (VCV003369171.1).
Genomic context (GRCh38, chr16:879,634, plus strand): 5'-AACAGGATCTGCAGCACCCCGTGGATGATGCACGCCCGCCGGCCGAGGAAGAGGAAGAAG[G>A]GCACCAGGAGCTCGATGAAGTGGTTGCTGAGCGTCTCGAAGCGATGGAACCACCAGGGTG-3'
Protein context (NP_073610.2, residues 268-288): LSNHFIELLV[Pro278Leu]FFLFLGRRAC